The following is an entry in ClinVar:

NM_001267550.2(TTN):c.9372dup (p.Gly3125fs)

Gene: TTN (titin; minus strand). Cytogenetic location: 2q31.2.
Variant type: Duplication.
Coding change: c.9372dup on transcript NM_001267550.2 (MANE Select); coding-DNA position 9372, one base duplicated (T; older notation c.9372dupT).
Protein change: p.Gly3125fs; shifts the reading frame from glycine 3125.
Molecular consequence: frameshift variant.
Genome position (GRCh38, 1-based): chr2:178,767,858, A duplicated on the plus strand (T on the coding strand, the reverse complement: TTN is on the minus strand). VCF-style (leftmost placement, unchanged base first): chr2-178767857-C-CA. GRCh37 (hg19) VCF-style: chr2-179632584-C-CA.
Other names: c.9234dup, p.Gly3079fs (NM_003319.4, NM_133432.3, NM_133437.4); c.9372dup, p.Gly3125fs (NM_133378.4, NM_133379.5, NM_001256850.1); c.9372dupT (NM_001267550.2); short protein forms G3079fs, G3125fs.
Identifiers: ClinVar variation 2631663 (VCV002631663.6), dbSNP rs2532341301, ClinGen allele CA2695197009.
Genomic context (GRCh38, chr2:178,767,857, plus strand): 5'-TGCCTTCTACAAAGAGTTTTGCAGTTGACACGTTGCCTCCTGCCACCACTGTGTACTTCC[C>CA]AGCATCAGACATCCGGGTGGATGGGATCAGAAGGCGGTGGACATATTTCTCCTTCTGAAT-3'

ClinVar aggregate classification (germline): Likely pathogenic. Review status: criteria provided, single submitter (1 of 4 stars). 2 submissions from 2 submitters: Likely pathogenic (1). 1 of the submissions does not count toward it. Last evaluated 2024-10-28.

Conditions:
TTN-related disorder. Also called: TTN-related condition; TTN-related disease; TTN-related disorders.
Dilated cardiomyopathy 1G (CMD1G). Identifiers: Orphanet 154, MedGen C1858763, MONDO:0011400, OMIM 604145.
Autosomal recessive limb-girdle muscular dystrophy type 2J (LGMDR10). Also called: MUSCULAR DYSTROPHY, LIMB-GIRDLE, AUTOSOMAL RECESSIVE 10; Limb-girdle muscular dystrophy, type 2J. Identifiers: Orphanet 140922, MedGen C1837342, MONDO:0012127, OMIM 608807.

Submissions (2):

Labcorp Genetics (formerly Invitae), Labcorp
Classification: Likely pathogenic for Dilated cardiomyopathy 1G; Autosomal recessive limb-girdle muscular dystrophy type 2J. Last evaluated: 2024-10-28. Review status: criteria provided, single submitter. Criteria: Invitae Variant Classification Sherloc (09022015). Collection method: clinical testing. Allele origin: germline.
Comment: This sequence change creates a premature translational stop signal (p.Gly3125Trpfs*29) in the TTN gene. While this is not anticipated to result in nonsense mediated decay, it is expected to create a truncated TTN protein. This variant is not present in population databases (gnomAD no frequency). This variant has not been reported in the literature in individuals affected with TTN-related conditions. ClinVar contains an entry for this variant (Variation ID: 2631663). This variant is located in the I band of TTN (PMID: 25589632). Truncating variants in this region have been reported in individuals affected with autosomal recessive centronuclear myopathy (PMID: 23975875, internal data). Truncating variants in this region have also been identified in individuals affected with autosomal dominant dilated cardiomyopathy and/or cardio-related conditions (PMID: 27869827, 32964742, internal data). In summary, the currently available evidence indicates that the variant is pathogenic, but additional data are needed to prove that conclusively. Therefore, this variant has been classified as Likely Pathogenic.

PreventionGenetics, part of Exact Sciences
Classification: Likely pathogenic for TTN-related condition. Last evaluated: 2023-10-25. Review status: no assertion criteria provided. Collection method: clinical testing. Allele origin: germline. Not counted in ClinVar's aggregate classification.
Comment: The TTN c.9372dupT variant is predicted to result in a frameshift and premature protein termination (p.Gly3125Trpfs*29). This variant is located in the N-terminus side of the TTN protein I-band region. RNAseq studies from heart tissue indicate this exon is commonly included in TTN mRNA transcripts (PSI of 100%); however, this analysis in muscle tissue was not performed (Roberts A.M. et al. 2015. PMID: 25589632). TTN truncating variants are reported in 1-2% of presumably healthy individuals and occur more frequently in exons with low PSI values, indicating this variant may be more likely to be disease causing (Roberts A.M. et al. 2015. PMID: 25589632; Herman D.S. et al. 2012. PMID: 22335739). A different nonsense variant in this exon has been reported in a patient with dilated cardiomyopathy (p.Arg3150* in Anderson. 2020. PubMed ID: 32998006). Several cases of severe recessive TTN-related disorders in which the individual is compound heterozygous for two loss of function variants in TTN have also been reported (Bryen et al. 2020. PubMed ID: 31660661; Oates et al. 2018. PubMed ID: 29691892; Chervinsky et al. 2018. PubMed ID: 29575618). In summary, the c.9372dupT variant is categorized as likely pathogenic for TTN-related disorders.

Literature cited by the submitters: PubMed 25589632 (cited by Labcorp Genetics (formerly Invitae), Labcorp); PubMed 23975875 (cited by Labcorp Genetics (formerly Invitae), Labcorp); PubMed 27869827 (cited by Labcorp Genetics (formerly Invitae), Labcorp); PubMed 32964742 (cited by Labcorp Genetics (formerly Invitae), Labcorp).